The following is an entry in ClinVar:

NM_000302.4(PLOD1):c.508G>A (p.Glu170Lys)

Gene: PLOD1 (procollagen-lysine,2-oxoglutarate 5-dioxygenase 1; plus strand). Cytogenetic location: 1p36.22.
Variant type: single nucleotide variant.
Coding change: c.508G>A on transcript NM_000302.4 (MANE Select); coding-DNA position 508, G replaced by A.
Protein change: p.Glu170Lys; replaces glutamic acid 170 with lysine.
Molecular consequence: missense variant.
Genome position (GRCh38, 1-based): chr1:11,952,664, G>A. VCF-style: chr1-11952664-G-A. GRCh37 (hg19) VCF-style: chr1-12012721-G-A.
Other names: c.649G>A, p.Glu217Lys (NM_001316320.2); short protein forms E170K, E217K.
Identifiers: ClinVar variation 644789 (VCV000644789.10), dbSNP rs780519821, ClinGen allele CA18000180.
Genomic context (GRCh38, chr1:11,952,664, plus strand): 5'-CCCACCCACCAACCTTCAGGCTTCATCGGTTATGCCCCCAACCTCAGCAAACTGGTGGCC[G>A]AGTGGGAGGGCCAGGACAGCGACAGCGATCAGCTGTTTTACACCAAGATCTTCTTGGACC-3'
Protein context (NP_000293.2, residues 160-180): YAPNLSKLVA[Glu170Lys]WEGQDSDSDQ

ClinVar aggregate classification (germline): Conflicting classifications of pathogenicity. Review status: criteria provided, conflicting classifications (1 of 4 stars). 4 submissions from 4 submitters: Uncertain significance (1); Likely benign (1). 2 of the submissions do not count toward it. Last evaluated 2024-11-26.

Conditions:
Familial thoracic aortic aneurysm and aortic dissection (TAAD). Also called: Thoracic aortic aneurysms and dissections. Identifiers: Orphanet 91387, MedGen C4707243, MONDO:0019625.
Ehlers-Danlos syndrome, kyphoscoliotic type 1 (EDSKSCL1). Also called: EHLERS-DANLOS SYNDROME, TYPE VIA; PLOD1-Related Kyphoscoliotic Ehlers-Danlos Syndrome; EHLERS-DANLOS SYNDROME, OCULAR-SCOLIOTIC TYPE; Ehlers-Danlos syndrome, hydroxylysine-deficient. Identifiers: Orphanet 1900, MedGen C0268342, MONDO:0016002, OMIM 225400. Disease mechanism: loss of function.

Allele frequency attached by ClinVar (database versions not stated): gnomAD 0.00001; gnomAD exomes 0.00001 and 0.00002; TOPMed 0.00001.
gnomAD v4.1: 36 of 1,613,994 alleles (0.0022%); highest among the groups gnomAD compares: Non-Finnish European, 0.0031%; no homozygotes.

Submissions (4):

Ambry Genetics
Classification: Likely benign for Familial thoracic aortic aneurysm and aortic dissection. Last evaluated: 2024-11-26. Review status: criteria provided, single submitter. Criteria: Ambry Variant Classification Scheme 2023. Collection method: clinical testing. Allele origin: germline.

Labcorp Genetics (formerly Invitae), Labcorp
Classification: Uncertain significance for Ehlers-Danlos syndrome, kyphoscoliotic type 1. Last evaluated: 2021-09-01. Review status: criteria provided, single submitter. Criteria: Invitae Variant Classification Sherloc (09022015). Collection method: clinical testing. Allele origin: germline.
Comment: This sequence change replaces glutamic acid with lysine at codon 170 of the PLOD1 protein (p.Glu170Lys). The glutamic acid residue is moderately conserved and there is a small physicochemical difference between glutamic acid and lysine. This variant is not present in population databases (ExAC no frequency). This variant has not been reported in the literature in individuals affected with PLOD1-related conditions. Algorithms developed to predict the effect of missense changes on protein structure and function output the following: SIFT: "Tolerated"; PolyPhen-2: "Benign"; Align-GVGD: "Class C0". The lysine amino acid residue is found in multiple mammalian species, which suggests that this missense change does not adversely affect protein function. In summary, the available evidence is currently insufficient to determine the role of this variant in disease. Therefore, it has been classified as a Variant of Uncertain Significance.

Clinical Genetics DNA and cytogenetics Diagnostics Lab, Erasmus MC, Erasmus Medical Center
Classification: Likely benign. Review status: no assertion criteria provided. Collection method: clinical testing. Allele origin: germline. Affected: yes. Study: VKGL Data-share Consensus. Not counted in ClinVar's aggregate classification.

Joint Genome Diagnostic Labs from Nijmegen and Maastricht, Radboudumc and MUMC+
Classification: Likely benign. Review status: no assertion criteria provided. Collection method: clinical testing. Allele origin: germline. Affected: yes. Study: VKGL Data-share Consensus. Not counted in ClinVar's aggregate classification.